The following is an entry in ClinVar:

NM_000489.6(ATRX):c.4366G>A (p.Glu1456Lys)

Gene: ATRX (ATRX chromatin remodeler; minus strand). Cytogenetic location: Xq21.1.
Variant type: single nucleotide variant.
Coding change: c.4366G>A on transcript NM_000489.6 (MANE Select); coding-DNA position 4366, G replaced by A.
Protein change: p.Glu1456Lys; replaces glutamic acid 1456 with lysine.
Molecular consequence: missense variant.
Genome position (GRCh38, 1-based): chrX:77,652,305, C>T on the plus strand (G>A on the coding strand, the complement: ATRX is on the minus strand). VCF-style: chrX-77652305-C-T. GRCh37 (hg19) VCF-style: chrX-76907795-C-T.
Other names: c.4252G>A, p.Glu1418Lys (NM_138270.5); short protein forms E1456K, E1418K.
Identifiers: ClinVar variation 574465 (VCV000574465.12), dbSNP rs782646619, ClinGen allele CA10457801.

ClinVar aggregate classification (germline): Uncertain significance. Review status: criteria provided, multiple submitters, no conflicts (2 of 4 stars). 2 submissions from 2 submitters: Uncertain significance (2). Last evaluated 2025-09-22.

Conditions:
Alpha thalassemia-X-linked intellectual disability syndrome (ATRX). Also called: ALPHA-THALASSEMIA/MENTAL RETARDATION SYNDROME, X-LINKED; ATR, NONDELETION TYPE; ALPHA-THALASSEMIA/IMPAIRED INTELLECTUAL DEVELOPMENT SYNDROME, X-LINKED; X-linked alpha-thalassemia-mental retardation syndrome; ATR-X syndrome; Alpha thalassemia mental retardation syndrome, nondeletion type, X-linked. Identifiers: Orphanet 847, MedGen C1845055, MONDO:0010519, OMIM 301040.
Inborn genetic diseases. Identifiers: MedGen C0950123, MeSH D030342.

Allele frequency attached by ClinVar (database versions not stated): gnomAD exomes 0.00001 and 0.00014; gnomAD 0.00003; ExAC 0.00001; TOPMed 0.00002.
gnomAD v4.1: 153 of 1,205,059 alleles (0.013%); highest among the groups gnomAD compares: Non-Finnish European, 0.017%; no homozygotes.

Submissions (2):

Ambry Genetics
Classification: Uncertain significance for Inborn genetic diseases. Last evaluated: 2025-09-22. Review status: criteria provided, single submitter. Criteria: Ambry Variant Classification Scheme 2023. Collection method: clinical testing. Allele origin: germline.

Labcorp Genetics (formerly Invitae), Labcorp
Classification: Uncertain significance for Alpha thalassemia-X-linked intellectual disability syndrome. Last evaluated: 2025-01-23. Review status: criteria provided, single submitter. Criteria: Invitae Variant Classification Sherloc (09022015). Collection method: clinical testing. Allele origin: germline.
Comment: This sequence change replaces glutamic acid, which is acidic and polar, with lysine, which is basic and polar, at codon 1456 of the ATRX protein (p.Glu1456Lys). The frequency data for this variant in the population databases is considered unreliable, as metrics indicate poor data quality at this position in the gnomAD database. This variant has not been reported in the literature in individuals affected with ATRX-related conditions. ClinVar contains an entry for this variant (Variation ID: 574465). Invitae Evidence Modeling of protein sequence and biophysical properties (such as structural, functional, and spatial information, amino acid conservation, physicochemical variation, residue mobility, and thermodynamic stability) indicates that this missense variant is not expected to disrupt ATRX protein function with a negative predictive value of 95%. In summary, the available evidence is currently insufficient to determine the role of this variant in disease. Therefore, it has been classified as a Variant of Uncertain Significance.